The following is an entry in ClinVar:

ClinVar aggregate classification (germline): Uncertain significance (1 of 4 stars; one submission).

Conditions:
Hereditary cancer-predisposing syndrome. Also called: Neoplastic Syndromes, Hereditary; Tumor predisposition; Hereditary Cancer Syndrome; Hereditary neoplastic syndrome. Identifiers: Orphanet 140162, MedGen C0027672, MeSH D009386, MONDO:0015356.

Submission:

Ambry Genetics
Classification: Uncertain significance for Hereditary cancer-predisposing syndrome. Last evaluated: 2025-09-17. Review status: criteria provided, single submitter. Criteria: Ambry Variant Classification Scheme 2023. Collection method: clinical testing. Allele origin: germline.
Comment: The p.I282T variant (also known as c.845T>C), located in coding exon 8 of the PRKAR1A gene, results from a T to C substitution at nucleotide position 845. The isoleucine at codon 282 is replaced by threonine, an amino acid with similar properties. This amino acid position is conserved. In addition, this alteration is predicted to be deleterious by in silico analysis. Based on the available evidence, the clinical significance of this variant remains unclear.

NM_002734.5(PRKAR1A):c.845T>C (p.Ile282Thr)

Gene: PRKAR1A (protein kinase cAMP-dependent type I regulatory subunit alpha; plus strand). Cytogenetic location: 17q24.2.
Variant type: single nucleotide variant.
Coding change: c.845T>C on transcript NM_002734.5 (MANE Select); coding-DNA position 845, T replaced by C.
Protein change: p.Ile282Thr; replaces isoleucine 282 with threonine.
Molecular consequence: missense variant.
Genome position (GRCh38, 1-based): chr17:68,528,945, T>C. VCF-style: chr17-68528945-T-C. GRCh37 (hg19) VCF-style: chr17-66525086-T-C.
Other names: c.845T>C, p.Ile282Thr (NM_001276289.2, NM_001276290.1, NM_001278433.2 and 4 more transcripts); short protein forms I282T.
Identifiers: ClinVar variation 4674129 (VCV004674129.1).